The following is an entry in ClinVar:

NM_001184880.2(PCDH19):c.1181T>G (p.Phe394Cys)

Gene: PCDH19 (protocadherin 19; minus strand). Cytogenetic location: Xq22.1.
Variant type: single nucleotide variant.
Coding change: c.1181T>G on transcript NM_001184880.2 (MANE Select); coding-DNA position 1181, T replaced by G.
Protein change: p.Phe394Cys; replaces phenylalanine 394 with cysteine.
Molecular consequence: missense variant.
Genome position (GRCh38, 1-based): chrX:100,407,417, A>C on the plus strand (T>G on the coding strand, the complement: PCDH19 is on the minus strand). VCF-style: chrX-100407417-A-C. GRCh37 (hg19) VCF-style: chrX-99662415-A-C.
Other names: c.1181T>G, p.Phe394Cys (NM_001105243.2, NM_020766.3); short protein forms F394C.
Identifiers: ClinVar variation 4802171 (VCV004802171.1).

ClinVar aggregate classification (germline): Pathogenic (1 of 4 stars; one submission).

Conditions:
Developmental and epileptic encephalopathy, 9 (DEE9). Also called: Early infantile epileptic encephalopathy 9; EPILEPSY, FEMALE-RESTRICTED, WITH MENTAL RETARDATION; JUBERG-HELLMAN SYNDROME; PCDH19-Related X-Linked Female-Limited Epilepsy with Mental Retardation. Identifiers: Orphanet 101039, Orphanet 2076, MedGen C1848137, MONDO:0010246, OMIM 300088. Disease mechanism: loss of function.

Submission:

Labcorp Genetics (formerly Invitae), Labcorp
Classification: Pathogenic for Developmental and epileptic encephalopathy, 9. Last evaluated: 2025-07-14. Review status: criteria provided, single submitter. Criteria: Invitae Variant Classification Sherloc (09022015). Collection method: clinical testing. Allele origin: germline.
Comment: This sequence change replaces phenylalanine, which is neutral and non-polar, with cysteine, which is neutral and slightly polar, at codon 394 of the PCDH19 protein (p.Phe394Cys). This variant is not present in population databases (gnomAD no frequency). This missense change has been observed in individual(s) with clinical features of PCDH19-related conditions (internal data). In at least one individual the variant was observed to be de novo. Invitae Evidence Modeling of protein sequence and biophysical properties (such as structural, functional, and spatial information, amino acid conservation, physicochemical variation, residue mobility, and thermodynamic stability) indicates that this missense variant is expected to disrupt PCDH19 protein function with a positive predictive value of 95%. For these reasons, this variant has been classified as Pathogenic.